The following is an entry in ClinVar:

ClinVar aggregate classification (germline): Uncertain significance. Review status: criteria provided, multiple submitters, no conflicts (2 of 4 stars). 4 submissions from 3 submitters: Uncertain significance (4). Last evaluated 2023-06-13.

Conditions:
Inborn genetic diseases. Identifiers: MedGen C0950123, MeSH D030342.
Isolated microphthalmia 5. Also called: Posterior Microphthalmia with Retinitis Pigmentosa, Foveoschisis, and Optic Disc Drusen. Identifiers: Orphanet 251279, MedGen C1970236, MONDO:0012605, OMIM 611040.
Late-onset retinal degeneration (LORD). Also called: RETINAL DEGENERATION, LATE-ONSET, AUTOSOMAL DOMINANT. Identifiers: Orphanet 67042, MedGen C1854065, MONDO:0011579, OMIM 605670. Disease mechanism: loss of function.

Allele frequency attached by ClinVar (database versions not stated): TOPMed 0.00001; gnomAD 0.00004; ESP Exome Variant Server 0.00008; ExAC 0.00006.
gnomAD v4.1: 60 of 1,603,112 alleles (0.0037%); highest among the groups gnomAD compares: East Asian, 0.018%; no homozygotes.

Submissions (4):

Ambry Genetics
Classification: Uncertain significance for Inborn genetic diseases. Last evaluated: 2023-06-13. Review status: criteria provided, single submitter. Criteria: Ambry Variant Classification Scheme 2023. Collection method: clinical testing. Allele origin: germline.

Labcorp Genetics (formerly Invitae), Labcorp
Classification: Uncertain significance for Isolated microphthalmia 5. Last evaluated: 2022-03-03. Review status: criteria provided, single submitter. Criteria: Invitae Variant Classification Sherloc (09022015). Collection method: clinical testing. Allele origin: germline.
Comment: This sequence change replaces arginine, which is basic and polar, with cysteine, which is neutral and slightly polar, at codon 64 of the MFRP protein (p.Arg64Cys). This variant is present in population databases (rs147490836, gnomAD 0.02%). This variant has not been reported in the literature in individuals affected with MFRP-related conditions. ClinVar contains an entry for this variant (Variation ID: 302979). Algorithms developed to predict the effect of missense changes on protein structure and function are either unavailable or do not agree on the potential impact of this missense change (SIFT: "Deleterious"; PolyPhen-2: "Possibly Damaging"; Align-GVGD: "Class C0"). In summary, the available evidence is currently insufficient to determine the role of this variant in disease. Therefore, it has been classified as a Variant of Uncertain Significance.

Illumina Laboratory Services, Illumina
Classification: Uncertain significance for Isolated microphthalmia 5. Last evaluated: 2018-01-13. Review status: criteria provided, single submitter. Criteria: ICSL Variant Classification Criteria 13 December 2019. Collection method: clinical testing. Allele origin: germline.

Illumina Laboratory Services, Illumina
Classification: Uncertain significance for Late-onset retinal degeneration. Last evaluated: 2018-01-13. Review status: criteria provided, single submitter. Criteria: ICSL Variant Classification Criteria 13 December 2019. Collection method: clinical testing. Allele origin: germline.

NM_031433.4(MFRP):c.190C>T (p.Arg64Cys)

Genes: C1QTNF5 (C1q and TNF related 5; minus strand), MFRP (membrane frizzled-related protein; minus strand). Cytogenetic location: 11q23.3.
Variant type: single nucleotide variant.
Coding change: c.190C>T on transcript NM_031433.4 (MANE Select); coding-DNA position 190, C replaced by T.
Protein change: p.Arg64Cys; replaces arginine 64 with cysteine.
Molecular consequence: missense variant. On other transcripts: 5 prime UTR variant (1).
Genome position (GRCh38, 1-based): chr11:119,346,127, G>A on the plus strand (C>T on the coding strand, the complement: MFRP is on the minus strand). VCF-style: chr11-119346127-G-A. GRCh37 (hg19) VCF-style: chr11-119216837-G-A.
Other names: c.-2447C>T (NM_015645.5); short protein forms R64C.
Identifiers: ClinVar variation 302979 (VCV000302979.14), dbSNP rs147490836, ClinGen allele CA6320668.